The following is an entry in ClinVar:

NM_002528.7(NTHL1):c.589C>G (p.Pro197Ala)

Gene: NTHL1 (nth like DNA glycosylase 1; minus strand). Cytogenetic location: 16p13.3.
Variant type: single nucleotide variant.
Coding change: c.589C>G on transcript NM_002528.7 (MANE Select); coding-DNA position 589, C replaced by G.
Protein change: p.Pro197Ala; replaces proline 197 with alanine.
Molecular consequence: missense variant.
Genome position (GRCh38, 1-based): chr16:2,043,663, G>C on the plus strand (C>G on the coding strand, the complement: NTHL1 is on the minus strand). VCF-style: chr16-2043663-G-C. GRCh37 (hg19) VCF-style: chr16-2093664-G-C.
Other names: c.418C>G, p.Pro140Ala (NM_001318193.2); c.259C>G, p.Pro87Ala (NM_001318194.2); c.589C>G, p.Pro197Ala (LRG_1366t1); c.613C>G (NM_002528.5); short protein forms P140A, P197A, P87A.
Identifiers: ClinVar variation 656585 (VCV000656585.12), dbSNP rs897842210, ClinGen allele CA276763897.
Genomic context (GRCh38, chr16:2,043,663, plus strand): 5'-CCAGGTGTGCCATCTTGGGCCCAACACCCGGCAGCGCCACCAGCTCGGCCACAGAGGCTG[G>C]GATGTCCCCACCGTAGTGCTGCTGCAGGATGGCGCTGGTCTGCTTGATGTATTTCACCTT-3'
Protein context (NP_002519.2, residues 187-207): ILQQHYGGDI[Pro197Ala]ASVAELVALP

ClinVar aggregate classification (germline): Uncertain significance. Review status: criteria provided, multiple submitters, no conflicts (2 of 4 stars). 3 submissions from 3 submitters: Uncertain significance (3). Last evaluated 2025-08-02.

Conditions:
Familial adenomatous polyposis 3. Also called: NTHL1-Related Adenomatous Polyposis and Colorectal Cancer; NTHL1-associated polyposis; NTHL1-related attenuated familial adenomatous polyposis; NTHL1 Tumor Syndrome. Identifiers: Orphanet 220460, Orphanet 454840, MedGen C4225157, MONDO:0014630, OMIM 616415.
Hereditary cancer-predisposing syndrome. Also called: Tumor predisposition; Neoplastic Syndromes, Hereditary; Hereditary Cancer Syndrome; Hereditary neoplastic syndrome. Identifiers: Orphanet 140162, MedGen C0027672, MeSH D009386, MONDO:0015356.

Allele frequency attached by ClinVar (database versions not stated): gnomAD exomes below 0.00001.
gnomAD v4.1: 1 of 1,612,004 alleles (0.000062%); highest among the groups gnomAD compares: Non-Finnish European, 0.000085%; no homozygotes.

Submissions (3):

Ambry Genetics
Classification: Uncertain significance for Hereditary cancer-predisposing syndrome. Last evaluated: 2025-08-02. Review status: criteria provided, single submitter. Criteria: Ambry Variant Classification Scheme 2023. Collection method: clinical testing. Allele origin: germline.
Comment: The p.P205A variant (also known as c.613C>G), located in coding exon 4 of the NTHL1 gene, results from a C to G substitution at nucleotide position 613. The proline at codon 205 is replaced by alanine, an amino acid with highly similar properties. This amino acid position is conserved. In addition, this alteration is predicted to be deleterious by in silico analysis. Since supporting evidence is limited at this time, the clinical significance of this alteration remains unclear.

Labcorp Genetics (formerly Invitae), Labcorp
Classification: Uncertain significance. Last evaluated: 2024-06-18. Review status: criteria provided, single submitter. Criteria: Invitae Variant Classification Sherloc (09022015). Collection method: clinical testing. Allele origin: germline.
Comment: This sequence change replaces proline, which is neutral and non-polar, with alanine, which is neutral and non-polar, at codon 205 of the NTHL1 protein (p.Pro205Ala). This variant is not present in population databases (gnomAD no frequency). This variant has not been reported in the literature in individuals affected with NTHL1-related conditions. ClinVar contains an entry for this variant (Variation ID: 656585). An algorithm developed to predict the effect of missense changes on protein structure and function (PolyPhen-2) suggests that this variant is likely to be disruptive. In summary, the available evidence is currently insufficient to determine the role of this variant in disease. Therefore, it has been classified as a Variant of Uncertain Significance.

Baylor Genetics
Classification: Uncertain significance for Familial adenomatous polyposis 3. Last evaluated: 2023-12-28. Review status: criteria provided, single submitter. Criteria: ACMG Guidelines, 2015. Collection method: clinical testing. Allele origin: unknown.